The following is an entry in ClinVar:

ClinVar aggregate classification (germline): Uncertain significance (1 of 4 stars; one submission).

gnomAD v4.1: 5 of 1,556,064 alleles (0.00032%); highest among the groups gnomAD compares: South Asian, 0.0047%; no homozygotes.

Submission:

Labcorp Genetics (formerly Invitae), Labcorp
Classification: Uncertain significance. Last evaluated: 2025-05-18. Review status: criteria provided, single submitter. Criteria: Invitae Variant Classification Sherloc (09022015). Collection method: clinical testing. Allele origin: germline.
Comment: This sequence change replaces asparagine, which is neutral and polar, with isoleucine, which is neutral and non-polar, at codon 698 of the CLCN7 protein (p.Asn698Ile). The frequency data for this variant in the population databases is considered unreliable, as metrics indicate poor data quality at this position in the gnomAD database. This variant has not been reported in the literature in individuals affected with CLCN7-related conditions. Invitae Evidence Modeling of protein sequence and biophysical properties (such as structural, functional, and spatial information, amino acid conservation, physicochemical variation, residue mobility, and thermodynamic stability) indicates that this missense variant is not expected to disrupt CLCN7 protein function with a negative predictive value of 95%. In summary, the available evidence is currently insufficient to determine the role of this variant in disease. Therefore, it has been classified as a Variant of Uncertain Significance.

NM_001287.6(CLCN7):c.2093A>T (p.Asn698Ile)

Gene: CLCN7 (chloride voltage-gated channel 7; minus strand). Cytogenetic location: 16p13.3.
Variant type: single nucleotide variant.
Coding change: c.2093A>T on transcript NM_001287.6 (MANE Select); coding-DNA position 2093, A replaced by T.
Protein change: p.Asn698Ile; replaces asparagine 698 with isoleucine.
Molecular consequence: missense variant.
Genome position (GRCh38, 1-based): chr16:1,447,549, T>A on the plus strand (A>T on the coding strand, the complement: CLCN7 is on the minus strand). VCF-style: chr16-1447549-T-A. GRCh37 (hg19) VCF-style: chr16-1497550-T-A.
Other names: c.2021A>T, p.Asn674Ile (NM_001114331.3); short protein forms N698I, N674I.
Identifiers: ClinVar variation 4703621 (VCV004703621.1).